The following is an entry in ClinVar:

ClinVar aggregate classification (germline): Uncertain significance (1 of 4 stars; one submission).

Conditions:
Rhabdoid tumor predisposition syndrome 2 (RTPS2). Identifiers: Orphanet 231108, Orphanet 69077, MedGen C2750074, MONDO:0013224, OMIM 613325.

Submission:

Labcorp Genetics (formerly Invitae), Labcorp
Classification: Uncertain significance for Rhabdoid tumor predisposition syndrome 2. Last evaluated: 2022-09-23. Review status: criteria provided, single submitter. Criteria: Invitae Variant Classification Sherloc (09022015). Collection method: clinical testing. Allele origin: germline.
Comment: In summary, the available evidence is currently insufficient to determine the role of this variant in disease. Therefore, it has been classified as a Variant of Uncertain Significance. Algorithms developed to predict the effect of missense changes on protein structure and function (SIFT, PolyPhen-2, Align-GVGD) all suggest that this variant is likely to be disruptive. This variant has not been reported in the literature in individuals affected with SMARCA4-related conditions. This variant is not present in population databases (gnomAD no frequency). This sequence change replaces alanine, which is neutral and non-polar, with serine, which is neutral and polar, at codon 182 of the SMARCA4 protein (p.Ala182Ser).

NM_003072.5(SMARCA4):c.544G>T (p.Ala182Ser)

Gene: SMARCA4 (SWI/SNF related BAF chromatin remodeling complex subunit ATPase 4; plus strand). Cytogenetic location: 19p13.2.
Variant type: single nucleotide variant.
Coding change: c.544G>T on transcript NM_003072.5 (MANE Select); coding-DNA position 544, G replaced by T.
Protein change: p.Ala182Ser; replaces alanine 182 with serine.
Molecular consequence: missense variant. On other transcripts: non-coding transcript variant (1).
Genome position (GRCh38, 1-based): chr19:10,986,377, G>T. VCF-style: chr19-10986377-G-T. GRCh37 (hg19) VCF-style: chr19-11097053-G-T.
Other names: c.544G>T, p.Ala182Ser (NM_001387283.1, NM_001411150.1, NM_001128844.3 and 6 more transcripts); short protein forms A182S.
Identifiers: ClinVar variation 1720203 (VCV001720203.5), dbSNP rs1599950706, ClinGen allele CA404056322.